The following is an entry in ClinVar:

ClinVar aggregate classification (germline): Conflicting classifications of pathogenicity. Review status: criteria provided, conflicting classifications (1 of 4 stars). 2 submissions from 2 submitters: Uncertain significance (1); Likely benign (1). Last evaluated 2025-04-09.

Conditions:
Autosomal recessive limb-girdle muscular dystrophy type 2J (LGMDR10). Also called: Limb-girdle muscular dystrophy, type 2J; MUSCULAR DYSTROPHY, LIMB-GIRDLE, AUTOSOMAL RECESSIVE 10. Identifiers: Orphanet 140922, MedGen C1837342, MONDO:0012127, OMIM 608807.
Dilated cardiomyopathy 1G (CMD1G). Identifiers: Orphanet 154, MedGen C1858763, MONDO:0011400, OMIM 604145.

Allele frequency attached by ClinVar (database versions not stated): gnomAD exomes below 0.00001 and 0.00001.
gnomAD v4.1: 3 of 1,613,338 alleles (0.00019%); highest among the groups gnomAD compares: South Asian, 0.0011%; no homozygotes.

Submissions (2):

Molecular Diagnostic Laboratory for Inherited Cardiovascular Disease, Montreal Heart Institute
Classification: Likely benign. Last evaluated: 2025-04-09. Review status: criteria provided, single submitter. Criteria: ACMG Guidelines, 2015. Collection method: clinical testing. Allele origin: germline. Affected: no.
Comment: BP1

Labcorp Genetics (formerly Invitae), Labcorp
Classification: Uncertain significance for Dilated cardiomyopathy 1G; Autosomal recessive limb-girdle muscular dystrophy type 2J. Last evaluated: 2022-10-28. Review status: criteria provided, single submitter. Criteria: Invitae Variant Classification Sherloc (09022015). Collection method: clinical testing. Allele origin: germline.
Comment: This sequence change replaces methionine, which is neutral and non-polar, with valine, which is neutral and non-polar, at codon 32149 of the TTN protein (p.Met32149Val). This variant is present in population databases (no rsID available, gnomAD 0.003%). This variant has not been reported in the literature in individuals affected with TTN-related conditions. ClinVar contains an entry for this variant (Variation ID: 535034). Experimental studies and prediction algorithms are not available or were not evaluated, and the functional significance of this variant is currently unknown. This variant is located in the A band of TTN (PMID: 25589632). Variants in this region may be relevant for cardiac or neuromuscular disorders (PMID: 25589632, 23975875). In summary, the available evidence is currently insufficient to determine the role of this variant in disease. Therefore, it has been classified as a Variant of Uncertain Significance.

Literature cited by the submitters: PubMed 25589632 (cited by Labcorp Genetics (formerly Invitae), Labcorp); PubMed 23975875 (cited by Labcorp Genetics (formerly Invitae), Labcorp).

NM_001267550.2(TTN):c.96445A>G (p.Met32149Val)

Genes: TTN-AS1 (TTN antisense RNA 1; plus strand), TTN (titin; minus strand), LOC126806421 (CDK7 strongly-dependent group 2 enhancer GRCh37_chr2:179407630-179408829; plus strand). Cytogenetic location: 2q31.2.
Variant type: single nucleotide variant.
Coding change: c.96445A>G on transcript NM_001267550.2 (MANE Select); coding-DNA position 96445, A replaced by G.
Protein change: p.Met32149Val; replaces methionine 32149 with valine.
Molecular consequence: missense variant.
Genome position (GRCh38, 1-based): chr2:178,543,528, T>C on the plus strand (A>G on the coding strand, the complement: TTN is on the minus strand). VCF-style: chr2-178543528-T-C. GRCh37 (hg19) VCF-style: chr2-179408255-T-C.
Other names: c.91522A>G, p.Met30508Val (NM_001256850.1); c.69250A>G, p.Met23084Val (NM_003319.4); c.88741A>G, p.Met29581Val (NM_133378.4); c.69625A>G, p.Met23209Val (NM_133432.3); c.69826A>G, p.Met23276Val (NM_133437.4); short protein forms M32149V, M23084V, M23209V, M23276V, M30508V, M29581V.
Identifiers: ClinVar variation 535034 (VCV000535034.11), dbSNP rs972033083, ClinGen allele CA60969988.